The following is an entry in ClinVar:

ClinVar aggregate classification (germline): Likely pathogenic (1 of 4 stars; one submission).

Conditions:
Lynch syndrome. Identifiers: Orphanet 144, MedGen C4552100, MONDO:0005835. Disease mechanism: loss of function.

Allele frequency attached by ClinVar (database versions not stated): gnomAD exomes below 0.00001.

Submission:

Laboratory for Molecular Medicine, Mass General Brigham Personalized Medicine
Classification: Likely pathogenic for Lynch syndrome. Last evaluated: 2019-05-08. Review status: criteria provided, single submitter. Criteria: ACMG Guidelines, 2015. Collection method: clinical testing. Allele origin: germline.
Comment: The p.Glu5GlyfsX9 variant in PMS2 has not been previously reported in individuals with Lynch syndrome and was absent from large population studies. This variant is predicted to cause a frameshift, which alters the protein’s amino acid sequence beginning at position 5 and leads to a premature termination codon 9 amino acids downstream. This alteration is then predicted to lead to a truncated or absent protein. Loss of function of the PMS2 gene is an established disease mechanism in autosomal dominant Lynch syndrome. In summary, although additional studies are required to fully establish its clinical significance, this variant meets criteria to be classified as likely pathogenic for autosomal dominant Lynch syndrome. ACMG/AMP Criteria applied: PVS1, PM2.

NM_000535.7(PMS2):c.13dup (p.Glu5fs)

Gene: PMS2 (PMS1 homolog 2, mismatch repair system component; minus strand). Cytogenetic location: 7p22.1.
Variant type: Duplication.
Coding change: c.13dup on transcript NM_000535.7 (MANE Select); coding-DNA position 13, one base duplicated (G; older notation c.13dupG).
Protein change: p.Glu5fs; shifts the reading frame from glutamic acid 5.
Molecular consequence: frameshift variant. On other transcripts: 5 prime UTR variant (45), non-coding transcript variant (1).
Genome position (GRCh38, 1-based): chr7:6,009,007, C duplicated on the plus strand (G on the coding strand, the reverse complement: PMS2 is on the minus strand). VCF-style (leftmost placement, unchanged base first): chr7-6009006-T-TC. GRCh37 (hg19) VCF-style: chr7-6048637-T-TC.
Other names: c.-388dup (NM_001018040.1, NM_001322003.2, NM_001322013.2 and 5 more transcripts); c.-253dup (NM_001322004.2, NM_001322010.2, NM_001406911.1); c.-583dup (NM_001322005.2); c.13dup, p.Glu5fs (NM_001322006.2, NM_001322014.2, NM_001406866.1 and 11 more transcripts); c.-203dup (NM_001322007.2, NM_001406876.1, NM_001406896.1 and 2 more transcripts); c.-63dup (NM_001322008.2); c.-578dup (NM_001322009.2, NM_001406897.1); c.-872dup (NM_001322011.2); and 19 more; short protein forms E5fs.
Identifiers: ClinVar variation 3075777 (VCV003075777.1), dbSNP rs2536707355, ClinGen allele CA2681679655.
Genomic context (GRCh38, chr7:6,009,006, plus strand): 5'-TCAAAGAGGGCGCGCGAGAGGGGACACCGGAAGACTGCGAGCCCCGCTCACCTCGAGCTC[T>TC]CAGCTCGCTCCATGGATGCAACACCCGATCCGCCTCGGGGACTGGGAAAGTTCCCTCCAG-3'